The following is an entry in ClinVar:

ClinVar aggregate classification (germline): Uncertain significance. Review status: criteria provided, multiple submitters, no conflicts (2 of 4 stars). 3 submissions from 3 submitters: Uncertain significance (2). 1 of the submissions does not count toward it. Last evaluated 2023-12-15.

Conditions:
Inborn genetic diseases. Identifiers: MedGen C0950123, MeSH D030342.

Allele frequency attached by ClinVar (database versions not stated): ExAC 0.00001; gnomAD exomes 0.00002; gnomAD 0.00005; TOPMed 0.00005.
gnomAD v4.1: 34 of 1,612,750 alleles (0.0021%); highest among the groups gnomAD compares: East Asian, 0.0089%; no homozygotes.

Submissions (3):

Ambry Genetics
Classification: Uncertain significance for Inborn genetic diseases. Last evaluated: 2023-12-15. Review status: criteria provided, single submitter. Criteria: Ambry Variant Classification Scheme 2023. Collection method: clinical testing. Allele origin: germline.

Labcorp Genetics (formerly Invitae), Labcorp
Classification: Uncertain significance. Last evaluated: 2022-03-19. Review status: criteria provided, single submitter. Criteria: Invitae Variant Classification Sherloc (09022015). Collection method: clinical testing. Allele origin: germline.
Comment: This sequence change replaces valine, which is neutral and non-polar, with methionine, which is neutral and non-polar, at codon 326 of the MMP14 protein (p.Val326Met). This variant is present in population databases (rs747054970, gnomAD 0.005%). This variant has not been reported in the literature in individuals affected with MMP14-related conditions. ClinVar contains an entry for this variant (Variation ID: 1048811). Algorithms developed to predict the effect of missense changes on protein structure and function are either unavailable or do not agree on the potential impact of this missense change (SIFT: "Deleterious"; PolyPhen-2: "Probably Damaging"; Align-GVGD: "Class C0"). In summary, the available evidence is currently insufficient to determine the role of this variant in disease. Therefore, it has been classified as a Variant of Uncertain Significance.

Department of Pathology and Laboratory Medicine, Sinai Health System
Classification: Uncertain significance. Review status: no assertion criteria provided. Collection method: clinical testing. Allele origin: unknown. Affected: yes. Study: The Canadian Open Genetics Repository (COGR). Not counted in ClinVar's aggregate classification.
Comment: The MMP14 p.Val326Met variant was identified in dbSNP (ID: rs747054970) however it was not identified in the ClinVar, Clinvitae, Cosmic, MutDB or LOVD 3.0 databases. The variant was identified in control databases in 5 of 280944 chromosomes at a frequency of 0.000018 (Genome Aggregation Database Feb 27, 2017). The variant was observed in the following populations: East Asian in 1 of 19782 chromosomes (freq: 0.000051), South Asian in 1 of 30382 chromosomes (freq: 0.000033) and European (non-Finnish) in 3 of 128558 chromosomes (freq: 0.000023), but was not observed in the African, Latino, Ashkenazi Jewish, European (Finnish) and Other populations. The p.Val326 residue is conserved in mammals but not in distantly related organisms and computational analyses (PolyPhen-2, SIFT, AlignGVGD, BLOSUM, MutationTaster) provide inconsistent predictions regarding the impact to the protein; this information is not very predictive of pathogenicity. In summary, based on the above information the clinical significance of this variant cannot be determined with certainty at this time. This variant is classified as a variant of uncertain significance.

NM_004995.4(MMP14):c.976G>A (p.Val326Met)

Gene: MMP14 (matrix metallopeptidase 14; plus strand). Cytogenetic location: 14q11.2.
Variant type: single nucleotide variant.
Coding change: c.976G>A on transcript NM_004995.4 (MANE Select); coding-DNA position 976, G replaced by A.
Protein change: p.Val326Met; replaces valine 326 with methionine.
Molecular consequence: missense variant.
Genome position (GRCh38, 1-based): chr14:22,843,835, G>A. VCF-style: chr14-22843835-G-A. GRCh37 (hg19) VCF-style: chr14-23313044-G-A.
Other names: c.976G>A (NM_004995.2); short protein forms V326M.
Identifiers: ClinVar variation 1048811 (VCV001048811.7), dbSNP rs747054970, ClinGen allele CA7105317.